The following is an entry in ClinVar:

NM_000089.4(COL1A2):c.3260G>A (p.Gly1087Asp)

Gene: COL1A2 (collagen type I alpha 2 chain; plus strand). Cytogenetic location: 7q21.3.
Variant type: single nucleotide variant.
Coding change: c.3260G>A on transcript NM_000089.4 (MANE Select); coding-DNA position 3260, G replaced by A.
Protein change: p.Gly1087Asp; replaces glycine 1087 with aspartic acid.
Molecular consequence: missense variant.
Genome position (GRCh38, 1-based): chr7:94,427,288, G>A. VCF-style: chr7-94427288-G-A. GRCh37 (hg19) VCF-style: chr7-94056600-G-A.
Other names: short protein forms G1087D.
Identifiers: ClinVar variation 1301438 (VCV001301438.3), dbSNP rs72659335, ClinGen allele CA162940836.

ClinVar aggregate classification (germline): Pathogenic/Likely pathogenic. Review status: criteria provided, multiple submitters, no conflicts (2 of 4 stars). 2 submissions from 2 submitters: Pathogenic (1); Likely pathogenic (1). Last evaluated 2023-11-27.

Submissions (2):

Revvity Omics, Revvity
Classification: Likely pathogenic. Last evaluated: 2023-11-27. Review status: criteria provided, single submitter. Criteria: ACMG Guidelines, 2015. Collection method: clinical testing. Allele origin: germline.

GeneDx
Classification: Pathogenic. Last evaluated: 2021-10-23. Review status: criteria provided, single submitter. Criteria: GeneDx Variant Classification Process June 2021. Collection method: clinical testing. Allele origin: germline. Affected: yes.
Comment: Occurs in the triple helical domain and replaces the glycine in the canonical Gly-X-Y repeat; missense substitution of a canonical glycine residue is expected to disrupt normal protein folding and function, and this is an established mechanism of disease (Stenson et al., 2014); In silico analysis, which includes protein predictors and evolutionary conservation, supports a deleterious effect; Not observed in large population cohorts (Lek et al., 2016); This variant is associated with the following publications: (PMID: 21239989, 16786509)